The following is an entry in ClinVar:

NM_013448.3(BAZ1A):c.2094G>A (p.Thr698=)

Gene: BAZ1A (bromodomain adjacent to zinc finger domain 1A; minus strand). Cytogenetic location: 14q13.1.
Variant type: single nucleotide variant.
Coding change: c.2094G>A on transcript NM_013448.3 (MANE Select); coding-DNA position 2094, G replaced by A.
Protein change: p.Thr698=; no amino-acid change (threonine 698 retained).
Molecular consequence: synonymous variant.
Genome position (GRCh38, 1-based): chr14:34,783,136, C>T on the plus strand (G>A on the coding strand, the complement: BAZ1A is on the minus strand). VCF-style: chr14-34783136-C-T. GRCh37 (hg19) VCF-style: chr14-35252342-C-T.
Other names: c.1998G>A, p.Thr666= (NM_182648.2).
Identifiers: ClinVar variation 3056341 (VCV003056341.2), dbSNP rs757237864, ClinGen allele CA7152937.

ClinVar aggregate classification (germline): Likely benign (0 of 4 stars; one submission).

Conditions:
BAZ1A-related disorder. Also called: BAZ1A-related condition.

Allele frequency attached by ClinVar (database versions not stated): ExAC 0.00002; gnomAD exomes 0.00002; TOPMed 0.00002.
gnomAD v4.1: 22 of 1,604,416 alleles (0.0014%); highest among the groups gnomAD compares: East Asian, 0.034%; no homozygotes.

Submission:

PreventionGenetics, part of Exact Sciences
Classification: Likely benign for BAZ1A-related condition. Last evaluated: 2023-07-26. Review status: no assertion criteria provided. Collection method: clinical testing. Allele origin: germline.
Comment: This variant is classified as likely benign based on ACMG/AMP sequence variant interpretation guidelines (Richards et al. 2015 PMID: 25741868, with internal and published modifications).